The following is an entry in ClinVar:

NM_000404.4(GLB1):c.779C>A (p.Pro260His)

Gene: GLB1 (galactosidase beta 1; minus strand). Cytogenetic location: 3p22.3.
Variant type: single nucleotide variant.
Coding change: c.779C>A on transcript NM_000404.4 (MANE Select); coding-DNA position 779, C replaced by A.
Protein change: p.Pro260His; replaces proline 260 with histidine.
Molecular consequence: missense variant.
Genome position (GRCh38, 1-based): chr3:33,053,504, G>T on the plus strand (C>A on the coding strand, the complement: GLB1 is on the minus strand). VCF-style: chr3-33053504-G-T. GRCh37 (hg19) VCF-style: chr3-33094996-G-T.
Other names: c.689C>A, p.Pro230His (NM_001079811.3); c.386C>A, p.Pro129His (NM_001135602.3); c.923C>A, p.Pro308His (NM_001317040.2); c.779C>A, p.Pro260His (NM_001393580.1); short protein forms P260H, P308H, P230H, P129H.
Identifiers: ClinVar variation 1417955 (VCV001417955.3), dbSNP rs2125525594, ClinGen allele CA352002627.

ClinVar aggregate classification (germline): Uncertain significance (1 of 4 stars; one submission).

Conditions:
Mucopolysaccharidosis, MPS-IV-B (MPS4B). Also called: MORQUIO SYNDROME B; Mucopolysaccharidosis Type IVB (Morquio B Disease); Mucopolysaccharidosis type 4B; Mucopolysaccharidosis type IVB (Morquio); MPS IVB; Mucopolysaccharidosis type IV B. Identifiers: Orphanet 309310, Orphanet 582, MedGen C0086652, MONDO:0009660, OMIM 253010.
GM1 gangliosidosis. Identifiers: Orphanet 354, MedGen C0085131, MONDO:0018149.

gnomAD v4.1: 4 of 1,614,076 alleles (0.00025%); highest among the groups gnomAD compares: Admixed American, 0.0067%; no homozygotes.

Submission:

Labcorp Genetics (formerly Invitae), Labcorp
Classification: Uncertain significance for Mucopolysaccharidosis, MPS-IV-B; GM1 gangliosidosis. Last evaluated: 2022-08-15. Review status: criteria provided, single submitter. Criteria: Invitae Variant Classification Sherloc (09022015). Collection method: clinical testing. Allele origin: germline.
Comment: This sequence change replaces proline, which is neutral and non-polar, with histidine, which is basic and polar, at codon 260 of the GLB1 protein (p.Pro260His). This variant is not present in population databases (gnomAD no frequency). This variant has not been reported in the literature in individuals affected with GLB1-related conditions. ClinVar contains an entry for this variant (Variation ID: 1417955). Advanced modeling of protein sequence and biophysical properties (such as structural, functional, and spatial information, amino acid conservation, physicochemical variation, residue mobility, and thermodynamic stability) performed at Invitae indicates that this missense variant is expected to disrupt GLB1 protein function. In summary, the available evidence is currently insufficient to determine the role of this variant in disease. Therefore, it has been classified as a Variant of Uncertain Significance.